The following is an entry in ClinVar:

NM_000400.4(ERCC2):c.744C>G (p.Ser248Arg)

Gene: ERCC2 (ERCC excision repair 2, TFIIH core complex helicase subunit; minus strand). Cytogenetic location: 19q13.32.
Variant type: single nucleotide variant.
Coding change: c.744C>G on transcript NM_000400.4 (MANE Select); coding-DNA position 744, C replaced by G.
Protein change: p.Ser248Arg; replaces serine 248 with arginine.
Molecular consequence: missense variant.
Genome position (GRCh38, 1-based): chr19:45,364,306, G>C on the plus strand (C>G on the coding strand, the complement: ERCC2 is on the minus strand). VCF-style: chr19-45364306-G-C. GRCh37 (hg19) VCF-style: chr19-45867564-G-C.
Other names: c.672C>G, p.Ser224Arg (NM_001130867.2); short protein forms S224R, S248R.
Identifiers: ClinVar variation 1758959 (VCV001758959.7), dbSNP rs754792441, ClinGen allele CA406374191.

ClinVar aggregate classification (germline): Uncertain significance. Review status: criteria provided, multiple submitters, no conflicts (2 of 4 stars). 2 submissions from 2 submitters: Uncertain significance (2). Last evaluated 2025-11-03.

Conditions:
Inborn genetic diseases. Identifiers: MedGen C0950123, MeSH D030342.

Submissions (2):

Labcorp Genetics (formerly Invitae), Labcorp
Classification: Uncertain significance. Last evaluated: 2025-11-03. Review status: criteria provided, single submitter. Criteria: Invitae Variant Classification Sherloc (09022015). Collection method: clinical testing. Allele origin: germline.
Comment: This sequence change replaces serine, which is neutral and polar, with arginine, which is basic and polar, at codon 248 of the ERCC2 protein (p.Ser248Arg). This variant is not present in population databases (gnomAD no frequency). This variant has not been reported in the literature in individuals affected with ERCC2-related conditions. ClinVar contains an entry for this variant (Variation ID: 1758959). Invitae Evidence Modeling of protein sequence and biophysical properties (such as structural, functional, and spatial information, amino acid conservation, physicochemical variation, residue mobility, and thermodynamic stability) indicates that this missense variant is expected to disrupt ERCC2 protein function with a positive predictive value of 80%. In summary, the available evidence is currently insufficient to determine the role of this variant in disease. Therefore, it has been classified as a Variant of Uncertain Significance.

Ambry Genetics
Classification: Uncertain significance for Inborn genetic diseases. Last evaluated: 2022-03-15. Review status: criteria provided, single submitter. Criteria: Ambry Variant Classification Scheme 2023. Collection method: clinical testing. Allele origin: germline.
Comment: The p.S248R variant (also known as c.744C>G), located in coding exon 9 of the ERCC2 gene, results from a C to G substitution at nucleotide position 744. The serine at codon 248 is replaced by arginine, an amino acid with dissimilar properties. This amino acid position is conserved. In addition, this alteration is predicted to be deleterious by in silico analysis. Since supporting evidence is limited at this time, the clinical significance of this alteration remains unclear.